The following is an entry in ClinVar:

ClinVar aggregate classification (germline): Uncertain significance (1 of 4 stars; one submission).

Conditions:
Fanconi anemia (FA). Also called: Fanconi's anemia. Identifiers: Orphanet 84, MedGen C0015625, MeSH D005199, MONDO:0019391.

Allele frequency attached by ClinVar (database versions not stated): gnomAD 0.00001 and 0.00003; TOPMed 0.00001; gnomAD exomes 0.00002 and 0.00005; ExAC 0.00007; 1000 Genomes Project 30x 0.00031; 1000 Genomes Project 0.00040.
gnomAD v4.1: 33 of 1,551,478 alleles (0.0021%); highest among the groups gnomAD compares: East Asian, 0.041%; no homozygotes.

Submission:

Labcorp Genetics (formerly Invitae), Labcorp
Classification: Uncertain significance for Fanconi anemia. Last evaluated: 2025-03-06. Review status: criteria provided, single submitter. Criteria: Invitae Variant Classification Sherloc (09022015). Collection method: clinical testing. Allele origin: germline.
Comment: This sequence change replaces serine, which is neutral and polar, with leucine, which is neutral and non-polar, at codon 637 of the SLX4 protein (p.Ser637Leu). The frequency data for this variant in the population databases is considered unreliable, as metrics indicate poor data quality at this position in the gnomAD database. This variant has not been reported in the literature in individuals affected with SLX4-related conditions. ClinVar contains an entry for this variant (Variation ID: 936936). An algorithm developed to predict the effect of missense changes on protein structure and function outputs the following: PolyPhen-2: "Benign". The leucine amino acid residue is found in multiple mammalian species, which suggests that this missense change does not adversely affect protein function. In summary, the available evidence is currently insufficient to determine the role of this variant in disease. Therefore, it has been classified as a Variant of Uncertain Significance.

NM_032444.4(SLX4):c.1910C>T (p.Ser637Leu)

Gene: SLX4 (SLX4 structure-specific endonuclease subunit; minus strand). Cytogenetic location: 16p13.3.
Variant type: single nucleotide variant.
Coding change: c.1910C>T on transcript NM_032444.4 (MANE Select); coding-DNA position 1910, C replaced by T.
Protein change: p.Ser637Leu; replaces serine 637 with leucine.
Molecular consequence: missense variant.
Genome position (GRCh38, 1-based): chr16:3,596,167, G>A on the plus strand (C>T on the coding strand, the complement: SLX4 is on the minus strand). VCF-style: chr16-3596167-G-A. GRCh37 (hg19) VCF-style: chr16-3646168-G-A.
Other names: short protein forms S637L.
Identifiers: ClinVar variation 936936 (VCV000936936.9), dbSNP rs200475686, ClinGen allele CA7866383.